The following is an entry in ClinVar:

ClinVar aggregate classification (germline): Benign (1 of 4 stars; one submission).

Conditions:
Papillary renal cell carcinoma type 1 (RCCP1). Also called: Renal adenocarcinoma; Renal cell carcinoma 1; Renal cell carcinoma, somatic; RENAL CELL CARCINOMA, PAPILLARY, 1, SOMATIC. Identifiers: Orphanet 47044, MedGen C1336839, OMIM 605074, HP:0011797.

Submission:

Myriad Genetics, Inc.
Classification: Benign for Papillary renal cell carcinoma type 1. Last evaluated: 2024-11-07. Review status: criteria provided, single submitter. Criteria: Myriad Autosomal Dominant, Autosomal Recessive and X-Linked Classification Criteria (2023). Collection method: clinical testing. Allele origin: unknown.
Comment: This variant is considered benign. This variant is a silent/synonymous amino acid change and it is not expected to impact splicing.

NM_000245.4(MET):c.1486T>C (p.Leu496=)

Gene: MET (MET proto-oncogene, receptor tyrosine kinase; plus strand). Cytogenetic location: 7q31.2.
Variant type: single nucleotide variant.
Coding change: c.1486T>C on transcript NM_000245.4 (MANE Select); coding-DNA position 1486, T replaced by C.
Protein change: p.Leu496=; no amino-acid change (leucine 496 retained).
Molecular consequence: synonymous variant.
Genome position (GRCh38, 1-based): chr7:116,740,043, T>C. VCF-style: chr7-116740043-T-C. GRCh37 (hg19) VCF-style: chr7-116380097-T-C.
Other names: c.1486T>C, p.Leu496= (NM_001127500.3, NM_001324401.3); c.196T>C, p.Leu66= (NM_001324402.2).
Identifiers: ClinVar variation 3773151 (VCV003773151.1).